The following is an entry in ClinVar:

NM_020831.6(MRTFA):c.2376G>C (p.Gln792His)

Gene: MRTFA (myocardin related transcription factor A; minus strand). Cytogenetic location: 22q13.1.
Variant type: single nucleotide variant.
Coding change: c.2376G>C on transcript NM_020831.6 (MANE Select); coding-DNA position 2376, G replaced by C.
Protein change: p.Gln792His; replaces glutamine 792 with histidine.
Molecular consequence: missense variant.
Genome position (GRCh38, 1-based): chr22:40,417,482, C>G on the plus strand (G>C on the coding strand, the complement: MRTFA is on the minus strand). VCF-style: chr22-40417482-C-G. GRCh37 (hg19) VCF-style: chr22-40813486-C-G.
Other names: c.2076G>C, p.Gln692His (NM_001282660.2); c.2226G>C, p.Gln742His (NM_001282661.3); c.2376G>C, p.Gln792His (NM_001282662.3); c.2181G>C, p.Gln727His (NM_001318139.2); short protein forms Q692H, Q727H, Q742H, Q792H.
Identifiers: ClinVar variation 1682956 (VCV001682956.8), dbSNP rs1324243420, ClinGen allele CA411656247.

ClinVar aggregate classification (germline): Uncertain significance (1 of 4 stars; one submission).

Submission:

Labcorp Genetics (formerly Invitae), Labcorp
Classification: Uncertain significance. Last evaluated: 2022-01-07. Review status: criteria provided, single submitter. Criteria: Invitae Variant Classification Sherloc (09022015). Collection method: clinical testing. Allele origin: germline.
Comment: Algorithms developed to predict the effect of missense changes on protein structure and function are either unavailable or do not agree on the potential impact of this missense change (SIFT: "Tolerated"; PolyPhen-2: "Probably Damaging"; Align-GVGD: "Class C0"). This variant has not been reported in the literature in individuals affected with MKL1-related conditions. This variant is not present in population databases (gnomAD no frequency). This sequence change replaces glutamine, which is neutral and polar, with histidine, which is basic and polar, at codon 692 of the MKL1 protein (p.Gln692His). In summary, the available evidence is currently insufficient to determine the role of this variant in disease. Therefore, it has been classified as a Variant of Uncertain Significance.